The following is an entry in ClinVar:

ClinVar aggregate classification (germline): Benign. Review status: criteria provided, multiple submitters, no conflicts (2 of 4 stars). 2 submissions from 2 submitters: Benign (2). Last evaluated 2018-01-12.

Conditions:
Bernard Soulier syndrome (BSS). Also called: Giant platelet syndrome; Hemorrhagiparous thrombocytic dystrophy; Giant platelet disease; BLEEDING DISORDER, PLATELET-TYPE, 1; GLYCOPROTEIN Ib, PLATELET, DEFICIENCY OF; PLATELET GLYCOPROTEIN Ib DEFICIENCY. Identifiers: Orphanet 274, MedGen C0005129, MeSH D001606, MONDO:0009276, OMIM 231200.

Allele frequency attached by ClinVar (database versions not stated): gnomAD exomes 0.00059; gnomAD 0.00431 and 0.00459; TOPMed 0.00469; 1000 Genomes Project 0.00579; 1000 Genomes Project 30x 0.00609.
gnomAD v4.1: 945 of 637,224 alleles (0.15%); highest among the groups gnomAD compares: African/African-American, 1.5%; 2 homozygotes.

Submissions (2):

Illumina Laboratory Services, Illumina
Classification: Benign for Bernard Soulier syndrome. Last evaluated: 2018-01-12. Review status: criteria provided, single submitter. Criteria: ICSL Variant Classification Criteria 13 December 2019. Collection method: clinical testing. Allele origin: germline.
Comment: This variant was observed in the ICSL laboratory as part of a predisposition screen in an ostensibly healthy population. It had not been previously curated by ICSL or reported in the Human Gene Mutation Database (HGMD: prior to June 1st, 2018), and was therefore a candidate for classification through an automated scoring system. Utilizing variant allele frequency, disease prevalence and penetrance estimates, and inheritance mode, an automated score was calculated to assess if this variant is too frequent to cause the disease. Based on the score and internal cut-off values, a variant classified as benign is not then subjected to further curation. The score for this variant resulted in a classification of benign for this disease.

Breakthrough Genomics
Classification: Benign. Review status: criteria provided, single submitter. Criteria: ACMG Guidelines, 2015. Collection method: not provided. Allele origin: germline. Inheritance: Autosomal recessive inheritance. Affected: yes.

NM_000174.5(GP9):c.-87T>C

Gene: GP9 (glycoprotein IX platelet; plus strand). Cytogenetic location: 3q21.3.
Variant type: single nucleotide variant.
Coding change: c.-87T>C on transcript NM_000174.5 (MANE Select); 87 bases upstream of the start codon, T replaced by C.
Molecular consequence: 5 prime UTR variant.
Genome position (GRCh38, 1-based): chr3:129,061,545, T>C. VCF-style: chr3-129061545-T-C. GRCh37 (hg19) VCF-style: chr3-128780388-T-C.
Identifiers: ClinVar variation 901796 (VCV000901796.5), dbSNP rs146474708, ClinGen allele CA82551919.
Genomic context (GRCh38, chr3:129,061,545, plus strand): 5'-AATCCACAGCCGCCCTCACCGCCCGGCCTTCTACGGTGTCCAGAGACAGTTAGCCAGGCC[T>C]GGGCTGGGCACACTCCACCTTCCCTAGTCACCAGCTGGTTTCCCAGAGGAGAAGGCTGAG-3'